The following is an entry in ClinVar:

NM_152309.3(PIK3AP1):c.1543A>G (p.Thr515Ala)

Gene: PIK3AP1 (phosphoinositide-3-kinase adaptor protein 1; minus strand). Cytogenetic location: 10q24.1.
Variant type: single nucleotide variant.
Coding change: c.1543A>G on transcript NM_152309.3 (MANE Select); coding-DNA position 1543, A replaced by G.
Protein change: p.Thr515Ala; replaces threonine 515 with alanine.
Molecular consequence: missense variant.
Genome position (GRCh38, 1-based): chr10:96,626,834, T>C on the plus strand (A>G on the coding strand, the complement: PIK3AP1 is on the minus strand). VCF-style: chr10-96626834-T-C. GRCh37 (hg19) VCF-style: chr10-98386591-T-C.
Other names: short protein forms T515A.
Identifiers: ClinVar variation 2801238 (VCV002801238.3), dbSNP rs562675343, ClinGen allele CA5626224.

ClinVar aggregate classification (germline): Uncertain significance (1 of 4 stars; one submission).

Conditions:
Infantile spasms. Also called: Infantile spasm. Identifiers: MedGen C3887898, HP:0012469.

Allele frequency attached by ClinVar (database versions not stated): TOPMed below 0.00001; ExAC 0.00001; gnomAD 0.00001; gnomAD exomes 0.00001; 1000 Genomes Project 30x 0.00016; 1000 Genomes Project 0.00020.
gnomAD v4.1: 12 of 1,614,186 alleles (0.00074%); highest among the groups gnomAD compares: Admixed American, 0.0017%; no homozygotes.

Submission:

Labcorp Genetics (formerly Invitae), Labcorp
Classification: Uncertain significance for Infantile spasms. Last evaluated: 2023-10-18. Review status: criteria provided, single submitter. Criteria: Invitae Variant Classification Sherloc (09022015). Collection method: clinical testing. Allele origin: germline.
Comment: This sequence change replaces threonine, which is neutral and polar, with alanine, which is neutral and non-polar, at codon 515 of the PIK3AP1 protein (p.Thr515Ala). This variant is present in population databases (rs562675343, gnomAD 0.0009%). This variant has not been reported in the literature in individuals affected with PIK3AP1-related conditions. An algorithm developed to predict the effect of missense changes on protein structure and function (PolyPhen-2) suggests that this variant is likely to be tolerated. In summary, the available evidence is currently insufficient to determine the role of this variant in disease. Therefore, it has been classified as a Variant of Uncertain Significance.